The following is an entry in ClinVar:

NM_001371986.1(UNC80):c.1936C>T (p.His646Tyr)

Gene: UNC80 (unc-80 homolog, NALCN channel complex subunit; plus strand). Cytogenetic location: 2q34.
Variant type: single nucleotide variant.
Coding change: c.1936C>T on transcript NM_001371986.1 (MANE Select); coding-DNA position 1936, C replaced by T.
Protein change: p.His646Tyr; replaces histidine 646 with tyrosine.
Molecular consequence: missense variant.
Genome position (GRCh38, 1-based): chr2:209,819,235, C>T. VCF-style: chr2-209819235-C-T. GRCh37 (hg19) VCF-style: chr2-210683959-C-T.
Other names: c.1936C>T, p.His646Tyr (NM_032504.2, NM_182587.4); short protein forms H646Y.
Identifiers: ClinVar variation 1524995 (VCV001524995.8), dbSNP rs1467598370, ClinGen allele CA350136007.

ClinVar aggregate classification (germline): Conflicting classifications of pathogenicity. Review status: criteria provided, conflicting classifications (1 of 4 stars). 2 submissions from 2 submitters: Uncertain significance (1); Benign (1). Last evaluated 2022-09-07.

Allele frequency attached by ClinVar (database versions not stated): gnomAD exomes below 0.00001; gnomAD 0.00001; TOPMed 0.00001.
gnomAD v4.1: 7 of 1,550,882 alleles (0.00045%); highest among the groups gnomAD compares: Admixed American, 0.002%; no homozygotes.

Submissions (2):

Labcorp Genetics (formerly Invitae), Labcorp
Classification: Uncertain significance. Last evaluated: 2022-09-07. Review status: criteria provided, single submitter. Criteria: Invitae Variant Classification Sherloc (09022015). Collection method: clinical testing. Allele origin: germline.
Comment: In summary, the available evidence is currently insufficient to determine the role of this variant in disease. Therefore, it has been classified as a Variant of Uncertain Significance. Algorithms developed to predict the effect of missense changes on protein structure and function are either unavailable or do not agree on the potential impact of this missense change (SIFT: "Not Available"; PolyPhen-2: "Possibly Damaging"; Align-GVGD: "Not Available"). ClinVar contains an entry for this variant (Variation ID: 1524995). This variant has not been reported in the literature in individuals affected with UNC80-related conditions. This variant is not present in population databases (gnomAD no frequency). This sequence change replaces histidine, which is basic and polar, with tyrosine, which is neutral and polar, at codon 646 of the UNC80 protein (p.His646Tyr).

Mendelics
Classification: Benign. Last evaluated: 2022-05-04. Review status: criteria provided, single submitter. Criteria: Mendelics Assertion Criteria 2019. Collection method: clinical testing. Allele origin: germline.